The following is an entry in ClinVar:

NM_000179.3(MSH6):c.3348C>G (p.Gly1116=)

Gene: MSH6 (mutS homolog 6; plus strand). Cytogenetic location: 2p16.3.
Variant type: single nucleotide variant.
Coding change: c.3348C>G on transcript NM_000179.3 (MANE Select); coding-DNA position 3348, C replaced by G.
Protein change: p.Gly1116=; no amino-acid change (glycine 1116 retained).
Molecular consequence: synonymous variant.
Genome position (GRCh38, 1-based): chr2:47,803,595, C>G. VCF-style: chr2-47803595-C-G. GRCh37 (hg19) VCF-style: chr2-48030734-C-G.
Other names: c.2958C>G, p.Gly986= (NM_001281492.2); c.2442C>G, p.Gly814= (NM_001281493.2, NM_001281494.2).
Identifiers: ClinVar variation 216314 (VCV000216314.16), dbSNP rs771833309, ClinGen allele CA335828.
Genomic context (GRCh38, chr2:47,803,595, plus strand): 5'-TCCTTGCATTACGAAGACTTTTTTTGGAGATGATTTTATTCCTAATGACATTCTAATAGG[C>G]TGTGAGGAAGAGGAGCAGGAAAATGGCAAAGCCTATTGTGTGCTTGTTACTGGACCAAAT-3'
Protein context (NP_000170.1, residues 1106-1126): DDFIPNDILI[Gly1116=]CEEEEQENGK

ClinVar aggregate classification (germline): Conflicting classifications of pathogenicity. Review status: criteria provided, conflicting classifications (1 of 4 stars). 5 submissions from 5 submitters: Uncertain significance (1); Benign (1); Likely benign (3). Last evaluated 2025-01-06.

Conditions:
Hereditary nonpolyposis colorectal neoplasms. Identifiers: MedGen C0009405, MeSH D003123.
Hereditary cancer-predisposing syndrome. Also called: Hereditary Cancer Syndrome; Hereditary neoplastic syndrome; Neoplastic Syndromes, Hereditary; Tumor predisposition. Identifiers: Orphanet 140162, MedGen C0027672, MeSH D009386, MONDO:0015356.
Breast and/or ovarian cancer. Identifiers: MedGen CN221562.
Lynch syndrome 5 (LYNCH5). Also called: Hereditary non-polyposis colorectal cancer, type 5; Colorectal cancer, hereditary nonpolyposis, type 5. Identifiers: Orphanet 144, MedGen C1833477, MONDO:0013710, OMIM 614350. Disease mechanism: loss of function.

Allele frequency attached by ClinVar (database versions not stated): TOPMed below 0.00001.
gnomAD v4.1: 1 of 1,614,078 alleles (0.000062%); highest among the groups gnomAD compares: Non-Finnish European, 0.000085%; no homozygotes.

Submissions (5):

Myriad Genetics, Inc.
Classification: Benign for Lynch syndrome 5. Last evaluated: 2025-01-06. Review status: criteria provided, single submitter. Criteria: Myriad Autosomal Dominant, Autosomal Recessive and X-Linked Classification Criteria (2023). Collection method: clinical testing. Allele origin: unknown.
Comment: This variant is considered benign. This variant is a silent/synonymous amino acid change and it is not expected to impact splicing.

Labcorp Genetics (formerly Invitae), Labcorp
Classification: Likely benign for Hereditary nonpolyposis colorectal neoplasms. Last evaluated: 2023-07-17. Review status: criteria provided, single submitter. Criteria: Invitae Variant Classification Sherloc (09022015). Collection method: clinical testing. Allele origin: germline.

CHEO Genetics Diagnostic Laboratory, Children's Hospital of Eastern Ontario
Classification: Uncertain significance for Breast and/or ovarian cancer. Last evaluated: 2021-12-23. Review status: criteria provided, single submitter. Criteria: ACMG Guidelines, 2015. Collection method: clinical testing. Allele origin: germline.

Ambry Genetics
Classification: Likely benign for Hereditary cancer-predisposing syndrome. Last evaluated: 2020-07-12. Review status: criteria provided, single submitter. Criteria: Ambry Variant Classification Scheme 2023. Collection method: clinical testing. Allele origin: germline.

Color Diagnostics, LLC DBA Color Health
Classification: Likely benign for Hereditary cancer-predisposing syndrome. Last evaluated: 2019-02-06. Review status: criteria provided, single submitter. Criteria: ACMG Guidelines, 2015. Collection method: clinical testing. Allele origin: germline.